The following is an entry in ClinVar:

ClinVar aggregate classification (germline): Uncertain significance (1 of 4 stars; one submission).

Conditions:
Neurodevelopmental disorder with or without hyperkinetic movements and seizures, autosomal dominant. Also called: Intellectual disability, autosomal dominant 8. Identifiers: MedGen C3280282, MONDO:0013655, OMIM 614254.

Submission:

Labcorp Genetics (formerly Invitae), Labcorp
Classification: Uncertain significance for Neurodevelopmental disorder with or without hyperkinetic movements and seizures, autosomal dominant. Last evaluated: 2023-12-09. Review status: criteria provided, single submitter. Criteria: Invitae Variant Classification Sherloc (09022015). Collection method: clinical testing. Allele origin: germline.
Comment: This sequence change replaces arginine, which is basic and polar, with glutamine, which is neutral and polar, at codon 52 of the GRIN1 protein (p.Arg52Gln). This variant is not present in population databases (gnomAD no frequency). This variant has not been reported in the literature in individuals affected with GRIN1-related conditions. Advanced modeling of protein sequence and biophysical properties (such as structural, functional, and spatial information, amino acid conservation, physicochemical variation, residue mobility, and thermodynamic stability) has been performed at Invitae for this missense variant, however the output from this modeling did not meet the statistical confidence thresholds required to predict the impact of this variant on GRIN1 protein function. In summary, the available evidence is currently insufficient to determine the role of this variant in disease. Therefore, it has been classified as a Variant of Uncertain Significance.

NM_007327.4(GRIN1):c.155G>A (p.Arg52Gln)

Gene: GRIN1 (glutamate ionotropic receptor NMDA type subunit 1; plus strand). Cytogenetic location: 9q34.3.
Variant type: single nucleotide variant.
Coding change: c.155G>A on transcript NM_007327.4 (MANE Select); coding-DNA position 155, G replaced by A.
Protein change: p.Arg52Gln; replaces arginine 52 with glutamine.
Molecular consequence: missense variant.
Genome position (GRCh38, 1-based): chr9:137,139,641, G>A. VCF-style: chr9-137139641-G-A. GRCh37 (hg19) VCF-style: chr9-140034093-G-A.
Other names: c.155G>A, p.Arg52Gln (NM_000832.7, NM_001185090.2, NM_001185091.2 and 1 more transcripts); short protein forms R52Q.
Identifiers: ClinVar variation 3006883 (VCV003006883.3), dbSNP rs1045827866, ClinGen allele CA375713260.